The following is an entry in ClinVar:

ClinVar aggregate classification (germline): Likely benign. Review status: criteria provided, multiple submitters, no conflicts (2 of 4 stars). 3 submissions from 3 submitters: Likely benign (3). Last evaluated 2024-10-24.

gnomAD v4.1: 83 of 1,613,642 alleles (0.0051%); highest among the groups gnomAD compares: Non-Finnish European, 0.0067%; no homozygotes.

Submissions (3):

Blueprint Genetics
Classification: Likely benign. Last evaluated: 2024-10-24. Review status: criteria provided, single submitter. Criteria: ACMG Guidelines, 2015. Collection method: clinical testing. Allele origin: germline.

Labcorp Genetics (formerly Invitae), Labcorp
Classification: Likely benign. Last evaluated: 2024-05-06. Review status: criteria provided, single submitter. Criteria: Invitae Variant Classification Sherloc (09022015). Collection method: clinical testing. Allele origin: germline.

CeGaT Center for Human Genetics Tuebingen
Classification: Likely benign. Last evaluated: 2023-09-01. Review status: criteria provided, single submitter. Criteria: CeGaT Center For Human Genetics Tuebingen Variant Classification Criteria Version 2. Collection method: clinical testing. Allele origin: germline. Affected: yes. Observed: 1 variant allele.
Comment: ADGRV1: BP4, BP7

NM_032119.4(ADGRV1):c.5898G>C (p.Thr1966=)

Gene: ADGRV1 (adhesion G protein-coupled receptor V1; plus strand). Cytogenetic location: 5q14.3.
Variant type: single nucleotide variant.
Coding change: c.5898G>C on transcript NM_032119.4 (MANE Select); coding-DNA position 5898, G replaced by C.
Protein change: p.Thr1966=; no amino-acid change (threonine 1966 retained).
Molecular consequence: synonymous variant. On other transcripts: non-coding transcript variant (1).
Genome position (GRCh38, 1-based): chr5:90,683,819, G>C. VCF-style: chr5-90683819-G-C. GRCh37 (hg19) VCF-style: chr5-89979636-G-C.
Identifiers: ClinVar variation 1626947 (VCV001626947.34), dbSNP rs754110689, ClinGen allele CA3339686.